The following is an entry in ClinVar:

NM_201384.3(PLEC):c.11222G>A (p.Arg3741Gln)

Gene: PLEC (plectin; minus strand). Cytogenetic location: 8q24.3.
Variant type: single nucleotide variant.
Coding change: c.11222G>A on transcript NM_201384.3 (MANE Select); coding-DNA position 11222, G replaced by A.
Protein change: p.Arg3741Gln; replaces arginine 3741 with glutamine.
Molecular consequence: missense variant.
Genome position (GRCh38, 1-based): chr8:143,918,599, C>T on the plus strand (G>A on the coding strand, the complement: PLEC is on the minus strand). VCF-style: chr8-143918599-C-T. GRCh37 (hg19) VCF-style: chr8-144992767-C-T.
Other names: c.11303G>A, p.Arg3768Gln (NM_000445.5); c.11180G>A, p.Arg3727Gln (NM_201378.4); c.11156G>A, p.Arg3719Gln (NM_201379.3); c.11633G>A, p.Arg3878Gln (NM_201380.4); c.11126G>A, p.Arg3709Gln (NM_201381.3); c.11222G>A, p.Arg3741Gln (NM_201382.4); c.11234G>A, p.Arg3745Gln (NM_201383.3); short protein forms R3719Q, R3727Q, R3768Q, R3741Q, R3709Q, R3745Q, R3878Q.
Identifiers: ClinVar variation 471521 (VCV000471521.18), dbSNP rs373215657, ClinGen allele CA4924408.

ClinVar aggregate classification (germline): Uncertain significance. Review status: criteria provided, multiple submitters, no conflicts (2 of 4 stars). 5 submissions from 5 submitters: Uncertain significance (5). Last evaluated 2026-03-05.

Conditions:
PLEC-related disorder. Also called: PLEC-related disorders; PLEC-related condition.
Autosomal recessive limb-girdle muscular dystrophy type 2Q (LGMDR17). Also called: MUSCULAR DYSTROPHY, LIMB-GIRDLE, AUTOSOMAL RECESSIVE 17. Identifiers: Orphanet 254361, MedGen C3150989, MONDO:0013390, OMIM 613723.
Epidermolysis bullosa simplex with nail dystrophy (EBS5D). Identifiers: MedGen C4225309, MONDO:0014661, OMIM 616487.
Epidermolysis bullosa simplex 5C, with pyloric atresia (EBS5C). Also called: PLEC-Related Epidermolysis Bullosa with Pyloric Atresia; Epidermolysis bullosa simplex with pyloric atresia; PLEC1-Related Epidermolysis Bullosa with Pyloric Atresia. Identifiers: Orphanet 158684, MedGen C2677349, MONDO:0012807, OMIM 612138.
Epidermolysis bullosa simplex, Ogna type (EBS5A). Also called: Pidermolysis bullosa simplex 5A, Ogna type; EPIDERMOLYSIS BULLOSA SIMPLEX 5A, OGNA TYPE. Identifiers: Orphanet 79401, MedGen C0432317, MONDO:0007555, OMIM 131950.
Epidermolysis bullosa simplex 5B, with muscular dystrophy (EBS5B). Also called: EPIDERMOLYSIS BULLOSA SIMPLEX AND LIMB-GIRDLE MUSCULAR DYSTROPHY; Epidermolysis bullosa simplex with muscular dystrophy. Identifiers: Orphanet 257, MedGen C2931072, MONDO:0009181, OMIM 226670.

Allele frequency attached by ClinVar (database versions not stated): ESP Exome Variant Server 0.00008; gnomAD exomes 0.00010 and 0.00012; ExAC 0.00012; gnomAD 0.00020 and 0.00021; TOPMed 0.00033.
gnomAD v4.1: 202 of 1,612,450 alleles (0.013%); highest among the groups gnomAD compares: Admixed American, 0.052%; no homozygotes.

Submissions (5):

PreventionGenetics, part of Exact Sciences
Classification: Uncertain significance for PLEC-related condition. Last evaluated: 2026-03-05. Review status: criteria provided, single submitter. Criteria: ACMG Guidelines, 2015. Collection method: clinical testing. Allele origin: germline.
Comment: The PLEC c.11303G>A variant is predicted to result in the amino acid substitution p.Arg3768Gln. To our knowledge, this variant has not been reported in the literature. This variant is reported in 0.028% of alleles in individuals of Latino descent in gnomAD. At this time, the clinical significance of this variant is uncertain due to the absence of conclusive functional and genetic evidence.

Labcorp Genetics (formerly Invitae), Labcorp
Classification: Uncertain significance for Autosomal recessive limb-girdle muscular dystrophy type 2Q; Epidermolysis bullosa simplex, Ogna type; Epidermolysis bullosa simplex with nail dystrophy; Epidermolysis bullosa simplex 5C, with pyloric atresia; Epidermolysis bullosa simplex 5B, with muscular dystrophy. Last evaluated: 2025-11-06. Review status: criteria provided, single submitter. Criteria: Invitae Variant Classification Sherloc (09022015). Collection method: clinical testing. Allele origin: germline.
Comment: This sequence change replaces arginine, which is basic and polar, with glutamine, which is neutral and polar, at codon 3768 of the PLEC protein (p.Arg3768Gln). This variant is present in population databases (rs373215657, gnomAD 0.03%). This variant has not been reported in the literature in individuals affected with PLEC-related conditions. ClinVar contains an entry for this variant (Variation ID: 471521). An algorithm developed to predict the effect of missense changes on protein structure and function (PolyPhen-2) suggests that this variant is likely to be disruptive. In summary, the available evidence is currently insufficient to determine the role of this variant in disease. Therefore, it has been classified as a Variant of Uncertain Significance.

Revvity Omics, Revvity
Classification: Uncertain significance. Last evaluated: 2023-12-01. Review status: criteria provided, single submitter. Criteria: ACMG Guidelines, 2015. Collection method: clinical testing. Allele origin: germline.

Knight Diagnostic Laboratories, Oregon Health and Sciences University
Classification: Uncertain significance for Epidermolysis bullosa simplex, ogna type. Last evaluated: 2019-07-08. Review status: criteria provided, single submitter. Criteria: ACMG Guidelines, 2015. Collection method: clinical testing. Allele origin: germline. Observed: 1 variant allele.

Eurofins Ntd Llc (ga)
Classification: Uncertain significance. Last evaluated: 2018-06-19. Review status: criteria provided, single submitter. Criteria: EGL ClinVar v180209 classification definitions. Collection method: clinical testing. Allele origin: germline. Observed: 3 variant alleles, 2 heterozygotes.